The following is an entry in ClinVar:

ClinVar aggregate classification (germline): Uncertain significance (1 of 4 stars; one submission).

Conditions:
Developmental and epileptic encephalopathy, 30 (DEE30). Also called: Epileptic encephalopathy, early infantile, 30. Identifiers: MedGen C4225360, MONDO:0014595, OMIM 616341.

Allele frequency attached by ClinVar (database versions not stated): ExAC 0.00001.

Submission:

Labcorp Genetics (formerly Invitae), Labcorp
Classification: Uncertain significance for Developmental and epileptic encephalopathy, 30. Last evaluated: 2023-03-18. Review status: criteria provided, single submitter. Criteria: Invitae Variant Classification Sherloc (09022015). Collection method: clinical testing. Allele origin: germline.
Comment: In summary, the available evidence is currently insufficient to determine the role of this variant in disease. Therefore, it has been classified as a Variant of Uncertain Significance. Advanced modeling of protein sequence and biophysical properties (such as structural, functional, and spatial information, amino acid conservation, physicochemical variation, residue mobility, and thermodynamic stability) performed at Invitae indicates that this missense variant is expected to disrupt SIK1 protein function. This variant has not been reported in the literature in individuals affected with SIK1-related conditions. This variant is present in population databases (rs770471221, gnomAD 0.009%). This sequence change replaces asparagine, which is neutral and polar, with lysine, which is basic and polar, at codon 154 of the SIK1 protein (p.Asn154Lys).

NM_173354.5(SIK1):c.462C>A (p.Asn154Lys)

Gene: SIK1 (salt inducible kinase 1; minus strand). Cytogenetic location: 21q22.3.
Variant type: single nucleotide variant.
Coding change: c.462C>A on transcript NM_173354.5 (MANE Select); coding-DNA position 462, C replaced by A.
Protein change: p.Asn154Lys; replaces asparagine 154 with lysine.
Molecular consequence: missense variant.
Genome position (GRCh38, 1-based): chr21:43,421,675, G>T on the plus strand (C>A on the coding strand, the complement: SIK1 is on the minus strand). VCF-style: chr21-43421675-G-T. GRCh37 (hg19) VCF-style: chr21-44841555-G-T.
Other names: short protein forms N154K.
Identifiers: ClinVar variation 2768828 (VCV002768828.3), dbSNP rs770471221, ClinGen allele CA321328094.
Genomic context (GRCh38, chr21:43,421,675, plus strand): 5'-CTCCCACCCCGGACCCTCCGTGCCTGCCAGCTTGATGTCCATGTTGCCATCCAGCAGGAG[G>T]TTCTCGGTCTTGAGGTCCCGGTGGACGATGTGATGGTCGTGACAGTACTCCACGGCCGAC-3'
Protein context (NP_775490.2, residues 144-164): HIVHRDLKTE[Asn154Lys]LLLDGNMDIK